The following is an entry in ClinVar:

NM_025074.7(FRAS1):c.9451A>G (p.Thr3151Ala)

Gene: FRAS1 (Fraser extracellular matrix complex subunit 1; plus strand). Cytogenetic location: 4q21.21.
Variant type: single nucleotide variant.
Coding change: c.9451A>G on transcript NM_025074.7 (MANE Select); coding-DNA position 9451, A replaced by G.
Protein change: p.Thr3151Ala; replaces threonine 3151 with alanine.
Molecular consequence: missense variant.
Genome position (GRCh38, 1-based): chr4:78,507,555, A>G. VCF-style: chr4-78507555-A-G. GRCh37 (hg19) VCF-style: chr4-79428709-A-G.
Other names: short protein forms T3151A.
Identifiers: ClinVar variation 1437314 (VCV001437314.6), dbSNP rs769809389, ClinGen allele CA2978667.
Genomic context (GRCh38, chr4:78,507,555, plus strand): 5'-GTCCTTGGCCCAGATGACCCAGTGGAAGCAGTTCTTGGGGATGTGACTACTGCCACGGTG[A>G]CAATTCTAGACCAGGAGGCAGCAGGGAGCCTCATATTGCCAGCACCACCCATTGTGAGTT-3'
Protein context (NP_079350.5, residues 3141-3161): VLGDVTTATV[Thr3151Ala]ILDQEAAGSL

ClinVar aggregate classification (germline): Uncertain significance. Review status: criteria provided, multiple submitters, no conflicts (2 of 4 stars). 2 submissions from 2 submitters: Uncertain significance (2). Last evaluated 2021-09-01.

Allele frequency attached by ClinVar (database versions not stated): gnomAD 0.00001; gnomAD exomes 0.00001 and 0.00004; ExAC 0.00002.
gnomAD v4.1: 18 of 1,611,018 alleles (0.0011%); highest among the groups gnomAD compares: South Asian, 0.019%; no homozygotes.

Submissions (2):

Labcorp Genetics (formerly Invitae), Labcorp
Classification: Uncertain significance. Last evaluated: 2021-09-01. Review status: criteria provided, single submitter. Criteria: Invitae Variant Classification Sherloc (09022015). Collection method: clinical testing. Allele origin: germline.
Comment: This sequence change replaces threonine with alanine at codon 3151 of the FRAS1 protein (p.Thr3151Ala). The threonine residue is highly conserved and there is a small physicochemical difference between threonine and alanine. This variant is present in population databases (rs769809389, ExAC 0.02%). This variant has not been reported in the literature in individuals affected with FRAS1-related conditions. Algorithms developed to predict the effect of missense changes on protein structure and function are either unavailable or do not agree on the potential impact of this missense change (SIFT: "Tolerated"; PolyPhen-2: "Possibly Damaging"; Align-GVGD: "Class C0"). In summary, the available evidence is currently insufficient to determine the role of this variant in disease. Therefore, it has been classified as a Variant of Uncertain Significance.

Breakthrough Genomics
Classification: Uncertain significance. Review status: criteria provided, single submitter. Criteria: ACMG Guidelines, 2015. Collection method: not provided. Allele origin: germline. Inheritance: Autosomal recessive inheritance. Affected: yes.